The following is an entry in ClinVar:

ClinVar aggregate classification (germline): Uncertain significance. Review status: criteria provided, single submitter (1 of 4 stars). 2 submissions from 2 submitters: Uncertain significance (1). 1 of the submissions does not count toward it. Last evaluated 2024-07-02.

Conditions:
P2RX1-related disorder. Also called: P2RX1-related condition.

Allele frequency attached by ClinVar (database versions not stated): ESP Exome Variant Server 0.00031; TOPMed 0.00036; gnomAD 0.00049; ExAC 0.00051; gnomAD exomes 0.00051.
gnomAD v4.1: 728 of 1,454,376 alleles (0.05%); highest among the groups gnomAD compares: Non-Finnish European, 0.064%; 1 homozygote.

Submissions (2):

Ambry Genetics
Classification: Uncertain significance. Last evaluated: 2024-07-02. Review status: criteria provided, single submitter. Criteria: Ambry Variant Classification Scheme 2023. Collection method: clinical testing. Allele origin: germline.

PreventionGenetics, part of Exact Sciences
Classification: Uncertain significance for P2RX1-related condition. Last evaluated: 2024-08-25. Review status: no assertion criteria provided. Collection method: clinical testing. Allele origin: germline. Not counted in ClinVar's aggregate classification.
Comment: The P2RX1 c.286G>A variant is predicted to result in the amino acid substitution p.Gly96Arg. To our knowledge, this variant has not been reported in the literature. This variant is reported in 0.091% of alleles in individuals of European (Non-Finnish) descent in gnomAD, which may be too common to be a primary cause of disease. Although we suspect that this variant may be benign, at this time, the clinical significance of this variant is uncertain due to the absence of conclusive functional and genetic evidence.

NM_002558.4(P2RX1):c.286G>A (p.Gly96Arg)

Gene: P2RX1 (purinergic receptor P2X 1; minus strand). Cytogenetic location: 17p13.2.
Variant type: single nucleotide variant.
Coding change: c.286G>A on transcript NM_002558.4 (MANE Select); coding-DNA position 286, G replaced by A.
Protein change: p.Gly96Arg; replaces glycine 96 with arginine.
Molecular consequence: missense variant.
Genome position (GRCh38, 1-based): chr17:3,904,929, C>T on the plus strand (G>A on the coding strand, the complement: P2RX1 is on the minus strand). VCF-style: chr17-3904929-C-T. GRCh37 (hg19) VCF-style: chr17-3808223-C-T.
Other names: c.286G>A (NM_002558.3); short protein forms G96R.
Identifiers: ClinVar variation 2359373 (VCV002359373.4), dbSNP rs142687602, ClinGen allele CA8296356.